The following is an entry in ClinVar:

ClinVar aggregate classification (germline): Uncertain significance (1 of 4 stars; one submission).

Submission:

Labcorp Genetics (formerly Invitae), Labcorp
Classification: Uncertain significance. Last evaluated: 2022-07-06. Review status: criteria provided, single submitter. Criteria: Invitae Variant Classification Sherloc (09022015). Collection method: clinical testing. Allele origin: germline.
Comment: This variant is not present in population databases (gnomAD no frequency). This sequence change replaces serine, which is neutral and polar, with alanine, which is neutral and non-polar, at codon 79 of the PRPF3 protein (p.Ser79Ala). This missense change has been observed in individual(s) with clinical features of retinitis pigmentosa (Invitae). ClinVar contains an entry for this variant (Variation ID: 1483871). Algorithms developed to predict the effect of missense changes on protein structure and function (SIFT, PolyPhen-2, Align-GVGD) all suggest that this variant is likely to be tolerated. In summary, the available evidence is currently insufficient to determine the role of this variant in disease. Therefore, it has been classified as a Variant of Uncertain Significance.

NM_004698.4(PRPF3):c.235T>G (p.Ser79Ala)

Gene: PRPF3 (pre-mRNA processing factor 3; plus strand). Cytogenetic location: 1q21.2.
Variant type: single nucleotide variant.
Coding change: c.235T>G on transcript NM_004698.4 (MANE Select); coding-DNA position 235, T replaced by G.
Protein change: p.Ser79Ala; replaces serine 79 with alanine.
Molecular consequence: missense variant. On other transcripts: 5 prime UTR variant (1), non-coding transcript variant (4).
Genome position (GRCh38, 1-based): chr1:150,325,840, T>G. VCF-style: chr1-150325840-T-G. GRCh37 (hg19) VCF-style: chr1-150298298-T-G.
Other names: c.-267T>G (NM_001350529.1); short protein forms S79A.
Identifiers: ClinVar variation 1483871 (VCV001483871.8), dbSNP rs2101946351, ClinGen allele CA342286728.